The following is an entry in ClinVar:

NM_000093.5(COL5A1):c.4975A>G (p.Asn1659Asp)

Genes: COL5A1 (collagen type V alpha 1 chain; plus strand), LOC101448202 (uncharacterized LOC101448202; minus strand). Cytogenetic location: 9q34.3.
Variant type: single nucleotide variant.
Coding change: c.4975A>G on transcript NM_000093.5 (MANE Select); coding-DNA position 4975, A replaced by G.
Protein change: p.Asn1659Asp; replaces asparagine 1659 with aspartic acid.
Molecular consequence: missense variant.
Genome position (GRCh38, 1-based): chr9:134,825,812, A>G. VCF-style: chr9-134825812-A-G. GRCh37 (hg19) VCF-style: chr9-137717658-A-G.
Other names: c.4975A>G, p.Asn1659Asp (NM_001278074.1); short protein forms N1659D.
Identifiers: ClinVar variation 4841622 (VCV004841622.1).

ClinVar aggregate classification (germline): Uncertain significance (1 of 4 stars; one submission).

Conditions:
Familial thoracic aortic aneurysm and aortic dissection (TAAD). Also called: Thoracic aortic aneurysms and dissections. Identifiers: Orphanet 91387, MedGen C4707243, MONDO:0019625.

gnomAD v4.1: 2 of 1,612,418 alleles (0.00012%); highest among the groups gnomAD compares: African/African-American, 0.0013%; no homozygotes.

Submission:

Ambry Genetics
Classification: Uncertain significance for Familial thoracic aortic aneurysm and aortic dissection. Last evaluated: 2025-12-30. Review status: criteria provided, single submitter. Criteria: Ambry Variant Classification Scheme 2023. Collection method: clinical testing. Allele origin: germline.
Comment: The p.N1659D variant (also known as c.4975A>G), located in coding exon 63 of the COL5A1 gene, results from an A to G substitution at nucleotide position 4975. The asparagine at codon 1659 is replaced by aspartic acid, an amino acid with highly similar properties. This amino acid position is conserved. In addition, the in silico prediction for this alteration is inconclusive. Based on the available evidence, the clinical significance of this variant remains unclear.